The following is an entry in ClinVar:

NM_002029.4(FPR1):c.775G>A (p.Val259Met)

Gene: FPR1 (formyl peptide receptor 1; minus strand). Cytogenetic location: 19q13.41.
Variant type: single nucleotide variant.
Coding change: c.775G>A on transcript NM_002029.4 (MANE Select); coding-DNA position 775, G replaced by A.
Protein change: p.Val259Met; replaces valine 259 with methionine.
Molecular consequence: missense variant.
Genome position (GRCh38, 1-based): chr19:51,746,220, C>T on the plus strand (G>A on the coding strand, the complement: FPR1 is on the minus strand). VCF-style: chr19-51746220-C-T. GRCh37 (hg19) VCF-style: chr19-52249473-C-T.
Other names: c.775G>A, p.Val259Met (NM_001193306.2); short protein forms V259M.
Identifiers: ClinVar variation 1982065 (VCV001982065.4), dbSNP rs1460978960, ClinGen allele CA407116624.

ClinVar aggregate classification (germline): Uncertain significance (1 of 4 stars; one submission).

Conditions:
Gingival disorder. Also called: Gingival disease. Identifiers: MedGen C0017563, MONDO:0002021.

Allele frequency attached by ClinVar (database versions not stated): gnomAD 0.00001; TOPMed 0.00001.
gnomAD v4.1: 8 of 1,614,010 alleles (0.0005%); highest among the groups gnomAD compares: African/African-American, 0.0027%; no homozygotes.

Submission:

Labcorp Genetics (formerly Invitae), Labcorp
Classification: Uncertain significance for Gingival disorder. Last evaluated: 2025-05-05. Review status: criteria provided, single submitter. Criteria: Invitae Variant Classification Sherloc (09022015). Collection method: clinical testing. Allele origin: germline.
Comment: This sequence change replaces valine, which is neutral and non-polar, with methionine, which is neutral and non-polar, at codon 259 of the FPR1 protein (p.Val259Met). This variant is present in population databases (no rsID available, gnomAD 0.003%). This variant has not been reported in the literature in individuals affected with FPR1-related conditions. ClinVar contains an entry for this variant (Variation ID: 1982065). An algorithm developed to predict the effect of missense changes on protein structure and function (PolyPhen-2) suggests that this variant is likely to be tolerated. In summary, the available evidence is currently insufficient to determine the role of this variant in disease. Therefore, it has been classified as a Variant of Uncertain Significance.